The following is an entry in ClinVar:

ClinVar aggregate classification (germline): Uncertain significance (1 of 4 stars; one submission).

Conditions:
Hereditary nonpolyposis colorectal neoplasms. Identifiers: MedGen C0009405, MeSH D003123.

Submission:

Labcorp Genetics (formerly Invitae), Labcorp
Classification: Uncertain significance for Hereditary nonpolyposis colorectal neoplasms. Last evaluated: 2021-07-19. Review status: criteria provided, single submitter. Criteria: Invitae Variant Classification Sherloc (09022015). Collection method: clinical testing. Allele origin: germline.
Comment: This sequence change replaces isoleucine with phenylalanine at codon 193 of the PMS2 protein (p.Ile193Phe). The isoleucine residue is moderately conserved and there is a small physicochemical difference between isoleucine and phenylalanine. This variant is not present in population databases (ExAC no frequency). This variant has not been reported in the literature in individuals with PMS2-related conditions. Advanced modeling of protein sequence and biophysical properties (such as structural, functional, and spatial information, amino acid conservation, physicochemical variation, residue mobility, and thermodynamic stability) performed at Invitae indicates that this missense variant is not expected to disrupt PMS2 protein function. In summary, the available evidence is currently insufficient to determine the role of this variant in disease. Therefore, it has been classified as a Variant of Uncertain Significance.

NM_000535.7(PMS2):c.577A>T (p.Ile193Phe)

Gene: PMS2 (PMS1 homolog 2, mismatch repair system component; minus strand). Cytogenetic location: 7p22.1.
Variant type: single nucleotide variant.
Coding change: c.577A>T on transcript NM_000535.7 (MANE Select); coding-DNA position 577, A replaced by T.
Protein change: p.Ile193Phe; replaces isoleucine 193 with phenylalanine.
Molecular consequence: missense variant. On other transcripts: non-coding transcript variant (1), intron variant (3).
Genome position (GRCh38, 1-based): chr7:5,999,236, T>A on the plus strand (A>T on the coding strand, the complement: PMS2 is on the minus strand). VCF-style: chr7-5999236-T-A. GRCh37 (hg19) VCF-style: chr7-6038867-T-A.
Other names: c.172A>T, p.Ile58Phe (NM_001322003.2, NM_001322004.2, NM_001322005.2 and 2 more transcripts); c.577A>T, p.Ile193Phe (NM_001322006.2, NM_001322014.2); c.259A>T, p.Ile87Phe (NM_001322007.2, NM_001322008.2); c.268A>T, p.Ile90Phe (NM_001322015.2); c.133-1813A>T (NM_001322013.2); c.-347-10A>T (NM_001322012.2, NM_001322011.2); short protein forms I87F, I90F, I193F, I58F.
Identifiers: ClinVar variation 1046828 (VCV001046828.8), dbSNP rs1784819145, ClinGen allele CA366744053.